The following is an entry in ClinVar:

ClinVar aggregate classification (germline): Uncertain significance (1 of 4 stars; one submission).

Conditions:
Hereditary cancer-predisposing syndrome. Also called: Neoplastic Syndromes, Hereditary; Hereditary neoplastic syndrome; Tumor predisposition; Hereditary Cancer Syndrome. Identifiers: Orphanet 140162, MedGen C0027672, MeSH D009386, MONDO:0015356.

Submission:

Ambry Genetics
Classification: Uncertain significance for Hereditary cancer-predisposing syndrome. Last evaluated: 2026-02-13. Review status: criteria provided, single submitter. Criteria: Ambry Variant Classification Scheme 2023. Collection method: clinical testing. Allele origin: germline.
Comment: The p.G305V variant (also known as c.914G>T), located in coding exon 8 of the EGFR gene, results from a G to T substitution at nucleotide position 914. The glycine at codon 305 is replaced by valine, an amino acid with dissimilar properties. This amino acid position is highly conserved in available vertebrate species. In addition, this alteration is predicted to be deleterious by in silico analysis. Based on the available evidence, the clinical significance of this variant remains unclear.

NM_005228.5(EGFR):c.914G>T (p.Gly305Val)

Gene: EGFR (epidermal growth factor receptor; plus strand). Cytogenetic location: 7p11.2.
Variant type: single nucleotide variant.
Coding change: c.914G>T on transcript NM_005228.5 (MANE Select); coding-DNA position 914, G replaced by T.
Protein change: p.Gly305Val; replaces glycine 305 with valine.
Molecular consequence: missense variant.
Genome position (GRCh38, 1-based): chr7:55,155,854, G>T. VCF-style: chr7-55155854-G-T. GRCh37 (hg19) VCF-style: chr7-55223547-G-T.
Other names: c.779G>T, p.Gly260Val (NM_001346897.2, NM_001346899.2); c.914G>T, p.Gly305Val (NM_001346898.2, NM_201282.2, NM_201283.2 and 1 more transcripts); c.755G>T, p.Gly252Val (NM_001346900.2); c.113G>T, p.Gly38Val (NM_001346941.2); short protein forms G38V, G260V, G252V, G305V.
Identifiers: ClinVar variation 4824480 (VCV004824480.1).
Genomic context (GRCh38, chr7:55,155,854, plus strand): 5'-ACCGTCATCACCTTCCTTTCATGCTCTCTTCCCCAGGTAATTATGTGGTGACAGATCACG[G>T]CTCGTGCGTCCGAGCCTGTGGGGCCGACAGCTATGAGATGGAGGAAGACGGCGTCCGCAA-3'
Protein context (NP_005219.2, residues 295-315): CPRNYVVTDH[Gly305Val]SCVRACGADS